The following is an entry in ClinVar:

NM_000289.6(PFKM):c.289G>A (p.Gly97Arg)

Gene: PFKM (phosphofructokinase, muscle; plus strand). Cytogenetic location: 12q13.11.
Variant type: single nucleotide variant.
Coding change: c.289G>A on transcript NM_000289.6 (MANE Select); coding-DNA position 289, G replaced by A.
Protein change: p.Gly97Arg; replaces glycine 97 with arginine.
Molecular consequence: missense variant. On other transcripts: non-coding transcript variant (6).
Genome position (GRCh38, 1-based): chr12:48,132,919, G>A. VCF-style: chr12-48132919-G-A. GRCh37 (hg19) VCF-style: chr12-48526702-G-A.
Other names: c.502G>A, p.Gly168Arg (NM_001166686.2, NM_001354737.1, NM_001354738.1 and 1 more transcripts); c.289G>A, p.Gly97Arg (NM_001166687.2, NM_001166688.2, NM_001354742.2 and 4 more transcripts); c.598G>A, p.Gly200Arg (NM_001354735.1, NM_001354736.1); c.433G>A, p.Gly145Arg (NM_001354740.1); c.313G>A, p.Gly105Arg (NM_001354741.2); c.202G>A, p.Gly68Arg (NM_001354745.2); c.139G>A, p.Gly47Arg (NM_001354747.2, NM_001354748.2); short protein forms G105R, G68R, G145R, G168R, G47R, G200R, G97R.
Identifiers: ClinVar variation 1467374 (VCV001467374.6), dbSNP rs768553877, ClinGen allele CA6536958.

ClinVar aggregate classification (germline): Uncertain significance. Review status: criteria provided, multiple submitters, no conflicts (2 of 4 stars). 2 submissions from 2 submitters: Uncertain significance (2). Last evaluated 2025-07-13.

Conditions:
Glycogen storage disease, type VII (GSD7). Also called: TARUI DISEASE; GSD VII; MUSCLE PHOSPHOFRUCTOKINASE DEFICIENCY; PFKM DEFICIENCY. Identifiers: Orphanet 371, MedGen C0017926, MONDO:0009295, OMIM 232800.

Allele frequency attached by ClinVar (database versions not stated): gnomAD exomes 0.00001; ExAC 0.00002.
gnomAD v4.1: 21 of 1,614,190 alleles (0.0013%); highest among the groups gnomAD compares: South Asian, 0.0077%; no homozygotes.

Submissions (2):

Labcorp Genetics (formerly Invitae), Labcorp
Classification: Uncertain significance for Glycogen storage disease, type VII. Last evaluated: 2025-07-13. Review status: criteria provided, single submitter. Criteria: Invitae Variant Classification Sherloc (09022015). Collection method: clinical testing. Allele origin: germline.
Comment: This sequence change replaces glycine, which is neutral and non-polar, with arginine, which is basic and polar, at codon 97 of the PFKM protein (p.Gly97Arg). This variant is present in population databases (rs768553877, gnomAD 0.006%). This variant has not been reported in the literature in individuals affected with PFKM-related conditions. ClinVar contains an entry for this variant (Variation ID: 1467374). Invitae Evidence Modeling of protein sequence and biophysical properties (such as structural, functional, and spatial information, amino acid conservation, physicochemical variation, residue mobility, and thermodynamic stability) indicates that this missense variant is expected to disrupt PFKM protein function with a positive predictive value of 95%. In summary, the available evidence is currently insufficient to determine the role of this variant in disease. Therefore, it has been classified as a Variant of Uncertain Significance.

Baylor Genetics
Classification: Uncertain significance for Glycogen storage disease, type VII. Last evaluated: 2022-11-03. Review status: criteria provided, single submitter. Criteria: ACMG Guidelines, 2015. Collection method: clinical testing. Allele origin: unknown.